The following is an entry in ClinVar:

ClinVar aggregate classification (germline): Uncertain significance (1 of 4 stars; one submission).

Conditions:
Atrioventricular septal defect 4 (AVSD4). Identifiers: MedGen C3280781, MONDO:0013747, OMIM 614430.

gnomAD v4.1: 2 of 1,276,882 alleles (0.00016%); highest among the groups gnomAD compares: South Asian, 0.0054%; no homozygotes.

Submission:

Labcorp Genetics (formerly Invitae), Labcorp
Classification: Uncertain significance for Atrioventricular septal defect 4. Last evaluated: 2025-12-02. Review status: criteria provided, single submitter. Criteria: Invitae Variant Classification Sherloc (09022015). Collection method: clinical testing. Allele origin: germline.
Comment: This sequence change replaces arginine, which is basic and polar, with glutamine, which is neutral and polar, at codon 127 of the GATA4 protein (p.Arg127Gln). This variant is not present in population databases (gnomAD no frequency). This variant has not been reported in the literature in individuals affected with GATA4-related conditions. Invitae Evidence Modeling of protein sequence and biophysical properties (such as structural, functional, and spatial information, amino acid conservation, physicochemical variation, residue mobility, and thermodynamic stability) indicates that this missense variant is not expected to disrupt GATA4 protein function with a negative predictive value of 95%. In summary, the available evidence is currently insufficient to determine the role of this variant in disease. Therefore, it has been classified as a Variant of Uncertain Significance.

NM_001308093.3(GATA4):c.380G>A (p.Arg127Gln)

Gene: GATA4 (GATA binding protein 4). Cytogenetic location: 8p23.1.
Variant type: single nucleotide variant.
Coding change: c.380G>A on transcript NM_001308093.3 (MANE Select); coding-DNA position 380, G replaced by A.
Protein change: p.Arg127Gln; replaces arginine 127 with glutamine.
Molecular consequence: missense variant. On other transcripts: intron variant (3).
Genome position (GRCh38, 1-based): chr8:11,708,692, G>A. VCF-style: chr8-11708692-G-A. GRCh37 (hg19) VCF-style: chr8-11566201-G-A.
Other names: c.380G>A, p.Arg127Gln (NM_002052.5); c.-6+7914G>A (NM_001308094.2); c.-3+678G>A (NM_001374274.1); c.-3+4388G>A (NM_001374273.1); short protein forms R127Q.
Identifiers: ClinVar variation 4709982 (VCV004709982.1).